The following is an entry in ClinVar:

NM_001318510.2(ACSL4):c.1000C>A (p.Pro334Thr)

Gene: ACSL4 (acyl-CoA synthetase long chain family member 4; minus strand). Cytogenetic location: Xq23.
Variant type: single nucleotide variant.
Coding change: c.1000C>A on transcript NM_001318510.2 (MANE Select); coding-DNA position 1000, C replaced by A.
Protein change: p.Pro334Thr; replaces proline 334 with threonine.
Molecular consequence: missense variant.
Genome position (GRCh38, 1-based): chrX:109,674,404, G>T on the plus strand (C>A on the coding strand, the complement: ACSL4 is on the minus strand). VCF-style: chrX-109674404-G-T. GRCh37 (hg19) VCF-style: chrX-108917633-G-T.
Other names: c.1000C>A, p.Pro334Thr (NM_004458.3, NM_001437250.1, NM_001437251.1 and 2 more transcripts); c.1123C>A, p.Pro375Thr (NM_022977.3, NM_001318509.2, NM_001437245.1 and 2 more transcripts); short protein forms P334T, P375T.
Identifiers: ClinVar variation 5037719 (VCV005037719.1).

ClinVar aggregate classification (germline): Uncertain significance (1 of 4 stars; one submission).

Submission:

GeneDx
Classification: Uncertain significance. Last evaluated: 2026-04-26. Review status: criteria provided, single submitter. Criteria: GeneDx Variant Classification Process June 2021. Collection method: clinical testing. Allele origin: germline.
Comment: Not observed at significant frequency in large population cohorts (gnomAD); In silico analysis supports that this missense variant has a deleterious effect on protein structure/function; Has not been previously published as pathogenic or benign to our knowledge